The following is an entry in ClinVar:

NM_024408.4(NOTCH2):c.4145C>G (p.Pro1382Arg)

Gene: NOTCH2 (notch receptor 2; minus strand). Cytogenetic location: 1p12.
Variant type: single nucleotide variant.
Coding change: c.4145C>G on transcript NM_024408.4 (MANE Select); coding-DNA position 4145, C replaced by G.
Protein change: p.Pro1382Arg; replaces proline 1382 with arginine.
Molecular consequence: missense variant.
Genome position (GRCh38, 1-based): chr1:119,925,671, G>C on the plus strand (C>G on the coding strand, the complement: NOTCH2 is on the minus strand). VCF-style: chr1-119925671-G-C. GRCh37 (hg19) VCF-style: chr1-120468294-G-C.
Other names: short protein forms P1382R.
Identifiers: ClinVar variation 1424486 (VCV001424486.6), dbSNP rs1418033447, ClinGen allele CA341890675.

ClinVar aggregate classification (germline): Uncertain significance (1 of 4 stars; one submission).

Conditions:
Hajdu-Cheney syndrome (HJCYS). Also called: Acroosteolysis dominant type; SERPENTINE FIBULA-POLYCYSTIC KIDNEY SYNDROME; ACROOSTEOLYSIS WITH OSTEOPOROSIS AND CHANGES IN SKULL AND MANDIBLE. Identifiers: Orphanet 955, MedGen C0917715, MONDO:0007057, OMIM 102500.

Submission:

Labcorp Genetics (formerly Invitae), Labcorp
Classification: Uncertain significance for Hajdu-Cheney syndrome. Last evaluated: 2021-11-16. Review status: criteria provided, single submitter. Criteria: Invitae Variant Classification Sherloc (09022015). Collection method: clinical testing. Allele origin: germline.
Comment: In summary, the available evidence is currently insufficient to determine the role of this variant in disease. Therefore, it has been classified as a Variant of Uncertain Significance. Algorithms developed to predict the effect of missense changes on protein structure and function (SIFT, PolyPhen-2, Align-GVGD) all suggest that this variant is likely to be disruptive. This variant has not been reported in the literature in individuals affected with NOTCH2-related conditions. This variant is not present in population databases (gnomAD no frequency). This sequence change replaces proline, which is neutral and non-polar, with arginine, which is basic and polar, at codon 1382 of the NOTCH2 protein (p.Pro1382Arg).